The following is an entry in ClinVar:

NM_000081.4(LYST):c.10143+6T>G

Genes: LYST (lysosomal trafficking regulator; minus strand), LOC126806063 (MED14-independent group 3 enhancer GRCh37_chr1:235871544-235872743; plus strand). Cytogenetic location: 1q42.3.
Variant type: single nucleotide variant.
Coding change: c.10143+6T>G on transcript NM_000081.4 (MANE Select); 6 bases into the intron after coding-DNA position 10143, T replaced by G.
Molecular consequence: intron variant.
Genome position (GRCh38, 1-based): chr1:235,709,085, A>C on the plus strand (T>G on the coding strand, the complement: LYST is on the minus strand). VCF-style: chr1-235709085-A-C. GRCh37 (hg19) VCF-style: chr1-235872385-A-C.
Other names: p.?; c.10143+6T>G (NM_001301365.1).
Identifiers: ClinVar variation 1363731 (VCV001363731.6), dbSNP rs768728098, ClinGen allele CA1465442.

ClinVar aggregate classification (germline): Uncertain significance. Review status: criteria provided, multiple submitters, no conflicts (2 of 4 stars). 4 submissions from 4 submitters: Uncertain significance (4). Last evaluated 2025-09-23.

Conditions:
Chédiak-Higashi syndrome (CHS). Also called: Chediak-Higashi Syndrome. Identifiers: Orphanet 167, MedGen C0007965, MONDO:0008963, OMIM 214500.

Allele frequency attached by ClinVar (database versions not stated): gnomAD 0.00001; TOPMed 0.00002; ExAC 0.00005.
gnomAD v4.1: 42 of 1,612,126 alleles (0.0026%); highest among the groups gnomAD compares: Non-Finnish European, 0.0031%; no homozygotes.

Submissions (4):

Mayo Clinic Laboratories, Mayo Clinic
Classification: Uncertain significance. Last evaluated: 2025-09-23. Review status: criteria provided, single submitter. Criteria: ACMG Guidelines, 2015. Collection method: clinical testing. Allele origin: germline. Observed: 1 variant allele.
Comment: BP4, BP7, PM2_supporting

Blueprint Genetics
Classification: Uncertain significance. Last evaluated: 2024-09-17. Review status: criteria provided, single submitter. Criteria: ACMG Guidelines, 2015. Collection method: clinical testing. Allele origin: germline.

Women's Health and Genetics/Laboratory Corporation of America, LabCorp
Classification: Uncertain significance. Last evaluated: 2024-06-30. Review status: criteria provided, single submitter. Criteria: LabCorp Variant Classification Summary - May 2015. Collection method: clinical testing. Allele origin: germline.

Labcorp Genetics (formerly Invitae), Labcorp
Classification: Uncertain significance for Chédiak-Higashi syndrome. Last evaluated: 2022-09-27. Review status: criteria provided, single submitter. Criteria: Invitae Variant Classification Sherloc (09022015). Collection method: clinical testing. Allele origin: germline.
Comment: This sequence change falls in intron 44 of the LYST gene. It does not directly change the encoded amino acid sequence of the LYST protein. It affects a nucleotide within the consensus splice site. This variant is present in population databases (rs768728098, gnomAD 0.007%). This variant has not been reported in the literature in individuals affected with LYST-related conditions. ClinVar contains an entry for this variant (Variation ID: 1363731). Variants that disrupt the consensus splice site are a relatively common cause of aberrant splicing (PMID: 17576681, 9536098). Algorithms developed to predict the effect of sequence changes on RNA splicing suggest that this variant may disrupt the consensus splice site. In summary, the available evidence is currently insufficient to determine the role of this variant in disease. Therefore, it has been classified as a Variant of Uncertain Significance.

Literature cited by the submitters: PubMed 17576681 (cited by Labcorp Genetics (formerly Invitae), Labcorp); PubMed 9536098 (cited by Labcorp Genetics (formerly Invitae), Labcorp).